The following is an entry in ClinVar:

NM_000340.2(SLC2A2):c.80A>T (p.Asp27Val)

Gene: SLC2A2 (solute carrier family 2 member 2; minus strand). Cytogenetic location: 3q26.2.
Variant type: single nucleotide variant.
Coding change: c.80A>T on transcript NM_000340.2 (MANE Select); coding-DNA position 80, A replaced by T.
Protein change: p.Asp27Val; replaces aspartic acid 27 with valine.
Molecular consequence: missense variant. On other transcripts: 5 prime UTR variant (2).
Genome position (GRCh38, 1-based): chr3:171,018,559, T>A on the plus strand (A>T on the coding strand, the complement: SLC2A2 is on the minus strand). VCF-style: chr3-171018559-T-A. GRCh37 (hg19) VCF-style: chr3-170736348-T-A.
Other names: c.-15A>T (NM_001278658.2); c.-315A>T (NM_001278659.2); short protein forms D27V.
Identifiers: ClinVar variation 1493313 (VCV001493313.7), dbSNP rs2108262016, ClinGen allele CA355480615.

ClinVar aggregate classification (germline): Uncertain significance. Review status: criteria provided, multiple submitters, no conflicts (2 of 4 stars). 2 submissions from 2 submitters: Uncertain significance (2). Last evaluated 2025-05-05.

Conditions:
Fanconi-Bickel syndrome (FBS). Also called: HEPATIC GLYCOGENOSIS WITH AMINO ACIDURIA AND GLUCOSURIA; HEPATIC GLYCOGENOSIS WITH FANCONI NEPHROPATHY; HEPATORENAL GLYCOGENOSIS WITH RENAL FANCONI SYNDROME; PSEUDO-PHLORIZIN DIABETES; FANCONI SYNDROME WITH INTESTINAL MALABSORPTION AND GALACTOSE INTOLERANCE; Glycogen storage disease due to GLUT2 deficiency. Identifiers: Orphanet 2088, MedGen C3495427, MONDO:0009216, OMIM 227810.

Allele frequency attached by ClinVar (database versions not stated): gnomAD exomes below 0.00001.
gnomAD v4.1: 3 of 1,613,814 alleles (0.00019%); highest among the groups gnomAD compares: African/African-American, 0.0013%; no homozygotes.

Submissions (2):

Labcorp Genetics (formerly Invitae), Labcorp
Classification: Uncertain significance for Fanconi-Bickel syndrome. Last evaluated: 2025-05-05. Review status: criteria provided, single submitter. Criteria: Invitae Variant Classification Sherloc (09022015). Collection method: clinical testing. Allele origin: germline.
Comment: This sequence change replaces aspartic acid, which is acidic and polar, with valine, which is neutral and non-polar, at codon 27 of the SLC2A2 protein (p.Asp27Val). This variant is not present in population databases (gnomAD no frequency). This variant has not been reported in the literature in individuals affected with SLC2A2-related conditions. ClinVar contains an entry for this variant (Variation ID: 1493313). Invitae Evidence Modeling of protein sequence and biophysical properties (such as structural, functional, and spatial information, amino acid conservation, physicochemical variation, residue mobility, and thermodynamic stability) indicates that this missense variant is not expected to disrupt SLC2A2 protein function with a negative predictive value of 80%. In summary, the available evidence is currently insufficient to determine the role of this variant in disease. Therefore, it has been classified as a Variant of Uncertain Significance.

Blueprint Genetics
Classification: Uncertain significance. Last evaluated: 2024-04-11. Review status: criteria provided, single submitter. Criteria: ACMG Guidelines, 2015. Collection method: clinical testing. Allele origin: germline.